The following is an entry in ClinVar:

ClinVar aggregate classification (germline): Pathogenic (1 of 4 stars; one submission).

Conditions:
Hereditary nonpolyposis colorectal neoplasms. Identifiers: MedGen C0009405, MeSH D003123.

Submission:

Labcorp Genetics (formerly Invitae), Labcorp
Classification: Pathogenic for Hereditary nonpolyposis colorectal neoplasms. Last evaluated: 2025-06-29. Review status: criteria provided, single submitter. Criteria: Invitae Variant Classification Sherloc (09022015). Collection method: clinical testing. Allele origin: germline.
Comment: This sequence change creates a premature translational stop signal (p.Cys1294Leufs*3) in the MSH6 gene. It is expected to result in an absent or disrupted protein product. Loss-of-function variants in MSH6 are known to be pathogenic (PMID: 18269114, 24362816). This variant is not present in population databases (gnomAD no frequency). This variant has not been reported in the literature in individuals affected with MSH6-related conditions. Algorithms developed to predict the effect of sequence changes on RNA splicing suggest that this variant may disrupt the consensus splice site. For these reasons, this variant has been classified as Pathogenic.

Literature cited by the submitters: PubMed 18269114; PubMed 24362816.

NM_000179.3(MSH6):c.3880dup (p.Cys1294fs)

Gene: MSH6 (mutS homolog 6; plus strand). Cytogenetic location: 2p16.3.
Variant type: Duplication.
Coding change: c.3880dup on transcript NM_000179.3 (MANE Select); coding-DNA position 3880, one base duplicated (T; older notation c.3880dupT).
Protein change: p.Cys1294fs; shifts the reading frame from cysteine 1294.
Molecular consequence: frameshift variant. On other transcripts: non-coding transcript variant (5), intron variant (1).
Genome position (GRCh38, 1-based): chr2:47,806,530, T duplicated; the last of 2 consecutive T bases (chr2:47,806,529-47,806,530); duplicating either gives the same sequence. VCF-style (leftmost placement, unchanged base first): chr2-47806528-C-CT. GRCh37 (hg19) VCF-style: chr2-48033667-C-CT.
Other names: c.3490dup, p.Cys1164fs (NM_001281492.2); c.2974dup, p.Cys992fs (NM_001281493.2, NM_001281494.2, NM_001406811.1 and 6 more transcripts); c.3976dup, p.Cys1326fs (NM_001406795.1); c.3880dup, p.Cys1294fs (NM_001406796.1, NM_001406808.1, NM_001406809.1); c.3583dup, p.Cys1195fs (NM_001406797.1, NM_001406801.1, NM_001406805.1 and 10 more transcripts); c.3706dup, p.Cys1236fs (NM_001406798.1); c.3355dup, p.Cys1119fs (NM_001406799.1, NM_001406806.1, NM_001406807.1); c.3867dup, p.Val1290fs (NM_001406800.1); and 9 more; short protein forms C1119fs, C1164fs, C221fs, C243fs, C1006fs, C1195fs, C1326fs, C772fs.
Identifiers: ClinVar variation 4700181 (VCV004700181.1).